The following is an entry in ClinVar:

NM_022552.5(DNMT3A):c.1945G>A (p.Val649Met)

Gene: DNMT3A (DNA methyltransferase 3 alpha; minus strand). Cytogenetic location: 2p23.3.
Variant type: single nucleotide variant.
Coding change: c.1945G>A on transcript NM_022552.5 (MANE Select); coding-DNA position 1945, G replaced by A.
Protein change: p.Val649Met; replaces valine 649 with methionine.
Molecular consequence: missense variant. On other transcripts: non-coding transcript variant (1).
Genome position (GRCh38, 1-based): chr2:25,241,699, C>T on the plus strand (G>A on the coding strand, the complement: DNMT3A is on the minus strand). VCF-style: chr2-25241699-C-T. GRCh37 (hg19) VCF-style: chr2-25464568-C-T.
Other names: c.1489G>A, p.Val497Met (NM_001320893.1); c.1276G>A, p.Val426Met (NM_001375819.1); c.1378G>A, p.Val460Met (NM_153759.3); c.1945G>A, p.Val649Met (NM_175629.2); short protein forms V649M, V497M, V426M, V460M.
Identifiers: ClinVar variation 3681842 (VCV003681842.2).
Genomic context (GRCh38, chr2:25,241,699, plus strand): 5'-AGTCCTCACACACCTCCGAGGCAATGTAGCGGTCCACCTGAATGCCCAAGTCCTTCAGCA[C>T]CAGGAGCCCTGCACCAGCCAGCAGACAGCACCGTTACTTGGAGCCATCTCCCTGGCACCC-3'
Protein context (NP_072046.2, residues 639-659): LFDGIATGLL[Val649Met]LKDLGIQVDR

ClinVar aggregate classification (germline): Uncertain significance (1 of 4 stars; one submission).

Conditions:
Tatton-Brown-Rahman overgrowth syndrome. Also called: Tall stature-intellectual disability-facial dysmorphism syndrome; Tatton-Brown-Rahman syndrome. Identifiers: Orphanet 404443, MedGen C4014545, MONDO:0014382, OMIM 615879.

gnomAD v4.1: 1 of 1,613,892 alleles (0.000062%); highest among the groups gnomAD compares: Non-Finnish European, 0.000085%; no homozygotes.

Submission:

Labcorp Genetics (formerly Invitae), Labcorp
Classification: Uncertain significance for Tatton-Brown-Rahman overgrowth syndrome. Last evaluated: 2024-05-31. Review status: criteria provided, single submitter. Criteria: Invitae Variant Classification Sherloc (09022015). Collection method: clinical testing. Allele origin: germline.
Comment: This sequence change replaces valine, which is neutral and non-polar, with methionine, which is neutral and non-polar, at codon 649 of the DNMT3A protein (p.Val649Met). This variant is not present in population databases (gnomAD no frequency). This variant has not been reported in the literature in individuals affected with DNMT3A-related conditions. Advanced modeling of protein sequence and biophysical properties (such as structural, functional, and spatial information, amino acid conservation, physicochemical variation, residue mobility, and thermodynamic stability) performed at Invitae indicates that this missense variant is expected to disrupt DNMT3A protein function with a positive predictive value of 80%. In summary, the available evidence is currently insufficient to determine the role of this variant in disease. Therefore, it has been classified as a Variant of Uncertain Significance.